The following is an entry in ClinVar:

ClinVar aggregate classification (germline): Conflicting classifications of pathogenicity. Review status: criteria provided, conflicting classifications (1 of 4 stars). 8 submissions from 8 submitters: Uncertain significance (6); Likely benign (2). Last evaluated 2025-12-03.

Conditions:
Cardiovascular phenotype. Identifiers: MedGen CN230736.
Arrhythmogenic right ventricular cardiomyopathy (ARVD). Also called: Arrhythmogenic Right Ventricular Cardiomyopathy (ARVC); Arrhythmogenic cardiomyopathy; Cardiomyopathy, ARVC; Arrhythmogenic right ventricular dysplasia. Identifiers: Orphanet 247, MedGen C0349788, MeSH D019571, MONDO:0016587. Disease mechanism: loss of function. Inheritance: Various modes of inheritance.
Cardiomyopathy (CMYO). Also called: Cardiomyopathies. Identifiers: Orphanet 167848, MedGen C0878544, MONDO:0004994, HP:0001638. Inheritance: Various modes of inheritance.
Arrhythmogenic right ventricular dysplasia 9 (ARVD9). Also called: Arrhythmogenic Right Ventricular Dysplasia/Cardiomyopathy 9; ARRHYTHMOGENIC RIGHT VENTRICULAR DYSPLASIA, FAMILIAL, 9. Identifiers: MedGen C1836906, MONDO:0012180, OMIM 609040.

Allele frequency attached by ClinVar (database versions not stated): TOPMed 0.00003.
gnomAD v4.1: 112 of 1,613,884 alleles (0.0069%); highest among the groups gnomAD compares: Non-Finnish European, 0.0082%; no homozygotes.

Submissions (8):

Labcorp Genetics (formerly Invitae), Labcorp
Classification: Uncertain significance for Arrhythmogenic right ventricular dysplasia 9. Last evaluated: 2025-12-03. Review status: criteria provided, single submitter. Criteria: Invitae Variant Classification Sherloc (09022015). Collection method: clinical testing. Allele origin: germline.
Comment: This sequence change replaces alanine, which is neutral and non-polar, with threonine, which is neutral and polar, at codon 372 of the PKP2 protein (p.Ala372Thr). This variant is present in population databases (rs200586695, gnomAD 0.002%). This missense change has been observed in individual(s) with arrhythmogenic right ventricular dysplasia/cardiomyopathy (PMID: 27532257). ClinVar contains an entry for this variant (Variation ID: 565604). An algorithm developed to predict the effect of missense changes on protein structure and function (PolyPhen-2) suggests that this variant is likely to be tolerated. In summary, the available evidence is currently insufficient to determine the role of this variant in disease. Therefore, it has been classified as a Variant of Uncertain Significance.

ARUP Laboratories, Molecular Genetics and Genomics, ARUP Laboratories
Classification: Uncertain significance for Arrhythmogenic right ventricular dysplasia 9. Last evaluated: 2025-05-29. Review status: criteria provided, single submitter. Criteria: ARUP Molecular Germline Variant Investigation Process 2024. Collection method: clinical testing. Allele origin: germline.
Comment: The PKP2 c.1114G>A; p.Ala372Thr variant (rs200586695, ClinVar Variation ID: 565604) is reported in the literature in an individual included in a cohort of arrhythmogenic right ventricular cardiomyopathy (ARVC) patients, but is presented without additional evidence of causality (Walsh 2017). This variant is only observed on five alleles in the Genome Aggregation Database (v2.1.1), indicating it is not a common polymorphism. Computational analyses predict that this variant is neutral (REVEL: 0.102). Due to limited information, the clinical significance of this variant is uncertain at this time. References: Walsh R et al. Reassessment of Mendelian gene pathogenicity using 7,855 cardiomyopathy cases and 60,706 reference samples. Genet Med. 2017 Feb;19(2):192-203. PMID: 27532257

CeGaT Center for Human Genetics Tuebingen
Classification: Likely benign. Last evaluated: 2025-02-01. Review status: criteria provided, single submitter. Criteria: CeGaT Center For Human Genetics Tuebingen Variant Classification Criteria Version 2. Collection method: clinical testing. Allele origin: germline. Affected: yes. Observed: 1 variant allele.
Comment: PKP2: BP4

Ambry Genetics
Classification: Likely benign for Cardiovascular phenotype. Last evaluated: 2024-12-05. Review status: criteria provided, single submitter. Criteria: Ambry Variant Classification Scheme 2023. Collection method: clinical testing. Allele origin: germline.

All of Us Research Program, National Institutes of Health
Classification: Uncertain significance for Arrhythmogenic right ventricular cardiomyopathy. Last evaluated: 2024-09-23. Review status: criteria provided, single submitter. Criteria: ACMG Guidelines, 2015. Collection method: clinical testing. Allele origin: germline. Inheritance: Autosomal dominant inheritance. Observed: 20 variant alleles, 20 heterozygotes.
Comment: This missense variant replaces alanine with threonine at codon 372 of the PKP2 protein. Computational prediction suggests that this variant may not impact protein structure and function (internally defined REVEL score threshold <= 0.5, PMID: 27666373). To our knowledge, functional studies have not been reported for this variant. The variant has been reported in an individual affected with arrhythmogenic cardiomyopathy (PMID: 27532257). This variant has been identified in 5/282758 chromosomes in the general population by the Genome Aggregation Database (gnomAD). The available evidence is insufficient to determine the role of this variant in disease conclusively. Therefore, this variant is classified as a Variant of Uncertain Significance.

This study involves interpretation of variants in research participants for the purpose of population health screening. Participant phenotype was not available at the time of variant classification. Additional details can be found in publication PMID: 35346344, PMCID: PMC8962531

Color Diagnostics, LLC DBA Color Health
Classification: Uncertain significance for Cardiomyopathy. Last evaluated: 2024-05-06. Review status: criteria provided, single submitter. Criteria: ACMG Guidelines, 2015. Collection method: clinical testing. Allele origin: germline.
Comment: This missense variant replaces alanine with threonine at codon 372 of the PKP2 protein. Computational prediction suggests that this variant may not impact protein structure and function (internally defined REVEL score threshold <= 0.5, PMID: 27666373). To our knowledge, functional studies have not been reported for this variant. The variant has been reported in an individual affected with arrhythmogenic cardiomyopathy (PMID: 27532257). This variant has been identified in 5/282758 chromosomes in the general population by the Genome Aggregation Database (gnomAD). The available evidence is insufficient to determine the role of this variant in disease conclusively. Therefore, this variant is classified as a Variant of Uncertain Significance.

Victorian Clinical Genetics Services, Murdoch Childrens Research Institute
Classification: Uncertain significance for Arrhythmogenic right ventricular dysplasia 9. Last evaluated: 2020-06-11. Review status: criteria provided, single submitter. Criteria: ACMG Guidelines, 2015. Collection method: clinical testing. Allele origin: germline. Inheritance: Autosomal dominant inheritance.
Comment: Based on the classification scheme VCGS_Germline_v1.1.1, this variant is classified as 3C-VUS. Following criteria are met: 0102 - Loss of function is a known mechanism of disease for this gene. (N) 0107 - This gene is known to be associated with autosomal dominant disease. (N) 0112 - Variants in this gene are known to have reduced penetrance (PMID: 17010805, PMID: 23183494). (N) 0200 - Variant is predicted to result in a missense amino acid change from alanine to threonine (exon 3). (N) 0251 - Variant is heterozygous. (N) 0302 - Variant is present in gnomAD <0.001 for a dominant condition (5 heterozygotes, 0 homozygotes). (P) 0309 - An alternative amino acid change at the same position has been observed in gnomAD: p.(Ala372Pro) at a frequency of 0.06% (176 heterozygotes, 0 homozygotes). (N) 0503 - Missense variant consistently predicted to be tolerated or not conserved in mammals with a minor amino acid change. (B) 0600 - Variant is located in an annotated domain or motif. The variant is located in the ARM1 repeat domain (UniProt). (N) 0708 - Comparable variants have conflicting previous evidence for pathogenicity. p.(Ala372Pro) has three VUS, six likely benign, and one benign entry in ClinVar. (N) 0804 - Variant has previously been described as a VUS. This variant has been reported as a VUS in an ARVC patient (PMID: 27532257) and has two VUS entries in ClinVar related to ARVC and cardiomyopathy. (N) 0905 - No segregation evidence has been identified for this variant. (N) 1007 - No published functional evidence has been identified for this variant. (N) 1208 - Inheritance information for this variant is not currently available. (N) Legend: (P) – Pathogenic, (N) – Neutral, (B) - Benign

Women's Health and Genetics/Laboratory Corporation of America, LabCorp
Classification: Uncertain significance. Last evaluated: 2019-11-12. Review status: criteria provided, single submitter. Criteria: LabCorp Variant Classification Summary - May 2015. Collection method: clinical testing. Allele origin: germline.
Comment: Variant summary: PKP2 c.1114G>A (p.Ala372Thr) results in a non-conservative amino acid change in the encoded protein sequence. Four of five in-silico tools predict a benign effect of the variant on protein function. The variant allele was found at a frequency of 1.6e-05 in 251346 control chromosomes. The available data on variant occurrences in the general population are insufficient to allow any conclusion about variant significance. c.1114G>A has been reported in the literature in at-least one individual among of a cohort of 361 individuals with arrhythmogenic right ventricular cardiomyopathy (ARVC) (Walsh_2017). These report(s) do not provide unequivocal conclusions about association of the variant with Arrhythmia. To our knowledge, no experimental evidence demonstrating an impact on protein function has been reported. Two clinical diagnostic laboratories have submitted clinical-significance assessments for this variant to ClinVar after 2014 without evidence for independent evaluation. All laboratories classified the variant as uncertain significance. Based on the evidence outlined above, the variant was classified as uncertain significance.

Literature cited by the submitters: PubMed 27532257 (cited by 6 submitters); PubMed 31402444 (cited by Ambry Genetics); PubMed 17010805 (cited by Victorian Clinical Genetics Services, Murdoch Childrens Research Institute); PubMed 23183494 (cited by Victorian Clinical Genetics Services, Murdoch Childrens Research Institute); PubMed 29802319 (cited by Women's Health and Genetics/Laboratory Corporation of America, LabCorp).

NM_001005242.3(PKP2):c.1114G>A (p.Ala372Thr)

Gene: PKP2 (plakophilin 2; minus strand). Cytogenetic location: 12p11.21.
Variant type: single nucleotide variant.
Coding change: c.1114G>A on transcript NM_001005242.3 (MANE Select); coding-DNA position 1114, G replaced by A.
Protein change: p.Ala372Thr; replaces alanine 372 with threonine.
Molecular consequence: missense variant.
Genome position (GRCh38, 1-based): chr12:32,868,983, C>T on the plus strand (G>A on the coding strand, the complement: PKP2 is on the minus strand). VCF-style: chr12-32868983-C-T. GRCh37 (hg19) VCF-style: chr12-33021917-C-T.
Other names: c.1114G>A, p.Ala372Thr (NM_004572.4); short protein forms A372T.
Identifiers: ClinVar variation 565604 (VCV000565604.29), dbSNP rs200586695, ClinGen allele CA027088.
Genomic context (GRCh38, chr12:32,868,983, plus strand): 5'-TCACCCTCTTCCGAGCTTCAGATTTCTGGAAGCACTCGTGCTGTATGAAAGTAGCTGCAG[C>T]AGAAATCCTGGATGGCAGCATGTGGTCTGCCTCGAGCATACTCACTGCTCGCTCCAGAGT-3'
Protein context (NP_001005242.2, residues 362-382): ADHMLPSRIS[Ala372Thr]AATFIQHECF